The following is an entry in ClinVar:

ClinVar aggregate classification (germline): Likely pathogenic (1 of 4 stars; one submission).

Conditions:
Neurodevelopmental disorder with dysmorphic facies and distal skeletal anomalies. Identifiers: MedGen C5231448, MONDO:0032855, OMIM 618659.

Submission:

3billion
Classification: Likely pathogenic for Neurodevelopmental disorder with dysmorphic facies and distal skeletal anomalies. Review status: criteria provided, single submitter. Criteria: ACMG Guidelines, 2015. Collection method: clinical testing. Allele origin: unknown. Affected: yes. Observed: 1 heterozygote.
Comment: The variant is not observed in the gnomAD v2.1.1 dataset. It is a frameshift variant predicted to result in a loss or disruption of normal protein function through nonsense-mediated decay (NMD) or protein truncation. Multiple pathogenic variants are reported downstream of the variant. Therefore, this variant is classified as likely pathogenic according to the recommendation of ACMG/AMP guideline.

NM_020338.4(ZMIZ1):c.969_970del (p.Gln324fs)

Gene: ZMIZ1 (zinc finger MIZ-type containing 1; plus strand). Cytogenetic location: 10q22.3.
Variant type: Deletion.
Coding change: c.969_970del on transcript NM_020338.4 (MANE Select); coding-DNA positions 969 to 970, 2 bases deleted (CC; older notation c.969_970delCC).
Protein change: p.Gln324fs; shifts the reading frame from glutamine 324.
Molecular consequence: frameshift variant.
Genome position (GRCh38, 1-based): chr10:79,293,392-79,293,393, CC deleted; deleting any 2 consecutive bases within chr10:79,293,391-79,293,393 gives the same sequence; the c. name uses the placement nearest the transcript's 3' end. VCF-style (leftmost placement, unchanged base first): chr10-79293390-ACC-A. GRCh37 (hg19) VCF-style: chr10-81053147-ACC-A.
Other names: short protein forms Q324fs.
Identifiers: ClinVar variation 2572573 (VCV002572573.1), dbSNP rs2492046422, ClinGen allele CA2580615524.